The following is an entry in ClinVar:

ClinVar aggregate classification (germline): Benign. Review status: criteria provided, multiple submitters, no conflicts (2 of 4 stars). 6 submissions from 6 submitters: Benign (6). Last evaluated 2026-02-04.

Conditions:
Imerslund-Grasbeck syndrome type 1 (IGS1). Also called: Megaloblastic anemia 1, Finnish type; MEGALOBLASTIC ANEMIA, 1; Imerslund-Gräsbeck syndrome 1. Identifiers: MedGen C4016819, MONDO:0100156, OMIM 261100.
Imerslund-Grasbeck syndrome. Also called: ENTEROCYTE COBALAMIN MALABSORPTION; ENTEROCYTE INTRINSIC FACTOR RECEPTOR, DEFECT OF; Imerslund-Gräsbeck syndrome; PERNICIOUS ANEMIA, JUVENILE, DUE TO SELECTIVE INTESTINAL MALABSORPTION OF VITAMIN B12, WITH PROTEINURIA; Megaloblastic anemia due to inborn errors of metabolism. Identifiers: Orphanet 35858, MedGen C4551825, MONDO:0009853.

Allele frequency attached by ClinVar (database versions not stated): ESP Exome Variant Server 0.17138; gnomAD 0.17332 and 0.17660; TOPMed 0.17621; 1000 Genomes Project 30x 0.19254; 1000 Genomes Project 0.19688; gnomAD exomes 0.20409 and 0.20731; ExAC 0.20648.
gnomAD v4.1: 324,539 of 1,611,542 alleles (20%); highest among the groups gnomAD compares: East Asian, 30%; 33,656 homozygotes.

Submissions (6):

Labcorp Genetics (formerly Invitae), Labcorp
Classification: Benign for Imerslund-Grasbeck syndrome. Last evaluated: 2026-02-04. Review status: criteria provided, single submitter. Criteria: Invitae Variant Classification Sherloc (09022015). Collection method: clinical testing. Allele origin: germline.

Blueprint Genetics
Classification: Benign. Last evaluated: 2024-11-27. Review status: criteria provided, single submitter. Criteria: ACMG Guidelines, 2015. Collection method: clinical testing. Allele origin: germline.

Mayo Clinic Laboratories, Mayo Clinic
Classification: Benign. Last evaluated: 2022-03-31. Review status: criteria provided, single submitter. Criteria: ACMG Guidelines, 2015. Collection method: clinical testing. Allele origin: germline. Observed: 90 variant alleles.

GeneDx
Classification: Benign. Last evaluated: 2018-07-07. Review status: criteria provided, single submitter. Criteria: GeneDx Variant Classification Process June 2021. Collection method: clinical testing. Allele origin: germline. Affected: yes.

Illumina Laboratory Services, Illumina
Classification: Benign for Imerslund-Grasbeck syndrome type 1. Last evaluated: 2018-01-13. Review status: criteria provided, single submitter. Criteria: ICSL Variant Classification Criteria 13 December 2019. Collection method: clinical testing. Allele origin: germline.
Comment: This variant was observed in the ICSL laboratory as part of a predisposition screen in an ostensibly healthy population. It had not been previously curated by ICSL or reported in the Human Gene Mutation Database (HGMD: prior to June 1st, 2018), and was therefore a candidate for classification through an automated scoring system. Utilizing variant allele frequency, disease prevalence and penetrance estimates, and inheritance mode, an automated score was calculated to assess if this variant is too frequent to cause the disease. Based on the score and internal cut-off values, a variant classified as benign is not then subjected to further curation. The score for this variant resulted in a classification of benign for this disease.

Breakthrough Genomics
Classification: Benign. Review status: criteria provided, single submitter. Criteria: ACMG Guidelines, 2015. Collection method: not provided. Allele origin: germline. Inheritance: Autosomal recessive inheritance. Affected: yes.

NM_001081.4(CUBN):c.6124+8C>T

Gene: CUBN (cubilin; minus strand). Cytogenetic location: 10p13.
Variant type: single nucleotide variant.
Coding change: c.6124+8C>T on transcript NM_001081.4 (MANE Select); 8 bases into the intron after coding-DNA position 6124, C replaced by T.
Molecular consequence: intron variant.
Genome position (GRCh38, 1-based): chr10:16,933,079, G>A on the plus strand (C>T on the coding strand, the complement: CUBN is on the minus strand). VCF-style: chr10-16933079-G-A. GRCh37 (hg19) VCF-style: chr10-16975078-G-A.
Other names: p.?.
Identifiers: ClinVar variation 299444 (VCV000299444.17), dbSNP rs2271461, ClinGen allele CA5423802.